The following is an entry in ClinVar:

ClinVar aggregate classification (germline): Benign. Review status: criteria provided, multiple submitters, no conflicts (2 of 4 stars). 2 submissions from 2 submitters: Benign (2). Last evaluated 2021-02-24.

Allele frequency attached by ClinVar (database versions not stated): gnomAD 0.11599 and 0.11678; ESP Exome Variant Server 0.11702; 1000 Genomes Project 0.11841; TOPMed 0.12167; 1000 Genomes Project 30x 0.12180; gnomAD exomes 0.12555 and 0.13530; ExAC 0.13396.

Submissions (9):

GeneDx
Classification: Benign. Last evaluated: 2021-02-24. Review status: criteria provided, single submitter. Criteria: GeneDx Variant Classification Process June 2021. Collection method: clinical testing. Allele origin: germline. Affected: yes.
Comment: This variant is associated with the following publications: (PMID: 25891874)

Breakthrough Genomics
Classification: Benign. Review status: criteria provided, single submitter. Criteria: ACMG Guidelines, 2015. Collection method: not provided. Allele origin: germline. Inheritance: Unknown mechanism. Affected: yes.

Dr. Peter K. Rogan Lab, Western University
No classification provided (evidence only). Condition: Colorectal cancer. Review status: no classification provided. Collection method: in vitro. Allele origin: not applicable. Functional consequence: retained intron. Not counted in ClinVar's aggregate classification.

Dr. Peter K. Rogan Lab, Western University
No classification provided (evidence only). Condition: Malignant lymphoma, large B-cell, diffuse. Review status: no classification provided. Collection method: in vitro. Allele origin: not applicable. Functional consequence: skipped exon, retained intron. Not counted in ClinVar's aggregate classification.

Dr. Peter K. Rogan Lab, Western University
No classification provided (evidence only). Condition: Malignant lymphoma, large B-cell, diffuse. Review status: no classification provided. Collection method: in vitro. Allele origin: not applicable. Functional consequence: skipped exon, retained intron. Not counted in ClinVar's aggregate classification.

Dr. Peter K. Rogan Lab, Western University
No classification provided (evidence only). Condition: Malignant lymphoma, large B-cell, diffuse. Review status: no classification provided. Collection method: in vitro. Allele origin: not applicable. Functional consequence: skipped exon, retained intron. Not counted in ClinVar's aggregate classification.

Dr. Peter K. Rogan Lab, Western University
No classification provided (evidence only). Condition: Cholangiocarcinoma. Review status: no classification provided. Collection method: in vitro. Allele origin: not applicable. Functional consequence: retained intron. Not counted in ClinVar's aggregate classification.

Dr. Peter K. Rogan Lab, Western University
No classification provided (evidence only). Condition: Cholangiocarcinoma. Review status: no classification provided. Collection method: in vitro. Allele origin: not applicable. Functional consequence: retained intron. Not counted in ClinVar's aggregate classification.

Dr. Peter K. Rogan Lab, Western University
No classification provided (evidence only). Condition: Adrenocortical carcinoma, hereditary. Review status: no classification provided. Collection method: in vitro. Allele origin: not applicable. Functional consequence: retained intron. Not counted in ClinVar's aggregate classification.

NM_030788.4(DCSTAMP):c.1046A>G (p.Asp349Gly)

Gene: DCSTAMP (dendrocyte expressed seven transmembrane protein; plus strand). Cytogenetic location: 8q22.3.
Variant type: single nucleotide variant.
Coding change: c.1046A>G on transcript NM_030788.4 (MANE Select); coding-DNA position 1046, A replaced by G.
Protein change: p.Asp349Gly; replaces aspartic acid 349 with glycine.
Molecular consequence: missense variant. On other transcripts: intron variant (1).
Genome position (GRCh38, 1-based): chr8:104,354,893, A>G. VCF-style: chr8-104354893-A-G. GRCh37 (hg19) VCF-style: chr8-105367121-A-G.
Other names: NC_000008.10:g.105367121A>G; c.828-1231A>G (NM_001257317.1); short protein forms D349G.
Identifiers: ClinVar variation 1260089 (VCV001260089.4), dbSNP rs3802204, ClinGen allele CA4838124.